The following is an entry in ClinVar:

ClinVar aggregate classification (germline): Uncertain significance (1 of 4 stars; one submission).

Allele frequency attached by ClinVar (database versions not stated): gnomAD exomes below 0.00001.
gnomAD v4.1: 1 of 1,608,518 alleles (0.000062%); highest among the groups gnomAD compares: Non-Finnish European, 0.000085%; no homozygotes.

Submission:

Labcorp Genetics (formerly Invitae), Labcorp
Classification: Uncertain significance. Last evaluated: 2022-11-28. Review status: criteria provided, single submitter. Criteria: Invitae Variant Classification Sherloc (09022015). Collection method: clinical testing. Allele origin: germline.
Comment: This sequence change affects codon 608 of the LAMC3 mRNA. It is a 'silent' change, meaning that it does not change the encoded amino acid sequence of the LAMC3 protein. It affects a nucleotide within the consensus splice site. This variant is not present in population databases (gnomAD no frequency). This variant has not been reported in the literature in individuals affected with LAMC3-related conditions. Algorithms developed to predict the effect of sequence changes on RNA splicing suggest that this variant is not likely to affect RNA splicing. In summary, the available evidence is currently insufficient to determine the role of this variant in disease. Therefore, it has been classified as a Variant of Uncertain Significance.

NM_006059.4(LAMC3):c.1824C>T (p.His608=)

Genes: LAMC3 (laminin subunit gamma 3; plus strand), LOC126860777 (BRD4-independent group 4 enhancer GRCh37_chr9:133927058-133928257; plus strand). Cytogenetic location: 9q34.12.
Variant type: single nucleotide variant.
Coding change: c.1824C>T on transcript NM_006059.4 (MANE Select); coding-DNA position 1824, C replaced by T.
Protein change: p.His608=; no amino-acid change (histidine 608 retained).
Molecular consequence: synonymous variant.
Genome position (GRCh38, 1-based): chr9:131,052,850, C>T. VCF-style: chr9-131052850-C-T. GRCh37 (hg19) VCF-style: chr9-133928237-C-T.
Identifiers: ClinVar variation 1970136 (VCV001970136.5), dbSNP rs2490756784, ClinGen allele CA467498244.